The following is an entry in ClinVar:

NM_003126.4(SPTA1):c.*99TG[18]

Genes: OR10Z1 (olfactory receptor family 10 subfamily Z member 1; plus strand), SPTA1 (spectrin alpha, erythrocytic 1; minus strand). Cytogenetic location: 1q23.1.
Variant type: Microsatellite.
Coding change: c.*99TG[18] on transcript NM_003126.4 (MANE Select); 18 copies in a row of the 2-base unit TG starting at c.*99; the reference has 17 copies in a row; one copy, 2 bases duplicated.
Molecular consequence: 3 prime UTR variant.
Genome position (GRCh38, 1-based): chr1:158,611,132-158,611,133, CA duplicated on the plus strand (TG on the coding strand, the reverse complement: SPTA1 is on the minus strand); duplicating any 2 consecutive bases within chr1:158,611,132-158,611,166 gives the same sequence; the position shown is the placement nearest the transcript's 3' end. VCF-style (leftmost placement, unchanged base first): chr1-158611131-G-GCA. GRCh37 (hg19) VCF-style: chr1-158580921-G-GCA.
Other names: c.*131_*132dup (NM_003126.4); c.*3753AC[18] (NM_001004478.2).
Identifiers: ClinVar variation 292926 (VCV000292926.6), dbSNP rs55832242, ClinGen allele CA10608366.

ClinVar aggregate classification (germline): Likely benign (1 of 4 stars; one submission).

Submission:

Mayo Clinic Laboratories, Mayo Clinic
Classification: Likely benign. Last evaluated: 2024-12-23. Review status: criteria provided, single submitter. Criteria: ACMG Guidelines, 2015. Collection method: clinical testing. Allele origin: germline. Observed: 53 variant alleles.
Comment: BP4, BP7, PM2_moderate